The following is an entry in ClinVar:

NM_022455.5(NSD1):c.3407A>G (p.Glu1136Gly)

Gene: NSD1 (nuclear receptor binding SET domain protein 1; plus strand). Cytogenetic location: 5q35.3.
Variant type: single nucleotide variant.
Coding change: c.3407A>G on transcript NM_022455.5 (MANE Select); coding-DNA position 3407, A replaced by G.
Protein change: p.Glu1136Gly; replaces glutamic acid 1136 with glycine.
Molecular consequence: missense variant.
Genome position (GRCh38, 1-based): chr5:177,211,806, A>G. VCF-style: chr5-177211806-A-G. GRCh37 (hg19) VCF-style: chr5-176638807-A-G.
Other names: c.2534A>G, p.Glu845Gly (NM_001409306.1, NM_001409307.1, NM_172349.5 and 3 more transcripts); c.3407A>G, p.Glu1136Gly (NM_001409301.1, NM_001409302.1, NM_001409303.1); c.2987A>G, p.Glu996Gly (NM_001409304.1); c.2654A>G, p.Glu885Gly (NM_001409305.1); short protein forms E996G, E885G, E1136G, E845G.
Identifiers: ClinVar variation 3703432 (VCV003703432.2).
Genomic context (GRCh38, chr5:177,211,806, plus strand): 5'-AATCTGATCCTGGTAAAATTTCTGAAAAAGGACTCTCTTTTGAAAACGGAAAAGGCCCAG[A>G]GCTGGACTCTGTAATGAACAGTGAGAATGATGAACTCAATGGTGTAAATCAAGTGGTGCC-3'
Protein context (NP_071900.2, residues 1126-1146): GLSFENGKGP[Glu1136Gly]LDSVMNSEND

ClinVar aggregate classification (germline): Uncertain significance (1 of 4 stars; one submission).

gnomAD v4.1: 1 of 1,614,230 alleles (0.000062%); highest among the groups gnomAD compares: Non-Finnish European, 0.000085%; no homozygotes.

Submission:

Labcorp Genetics (formerly Invitae), Labcorp
Classification: Uncertain significance. Last evaluated: 2024-01-08. Review status: criteria provided, single submitter. Criteria: Invitae Variant Classification Sherloc (09022015). Collection method: clinical testing. Allele origin: germline.
Comment: This sequence change replaces glutamic acid, which is acidic and polar, with glycine, which is neutral and non-polar, at codon 1136 of the NSD1 protein (p.Glu1136Gly). This variant is not present in population databases (gnomAD no frequency). This variant has not been reported in the literature in individuals affected with NSD1-related conditions. Advanced modeling of protein sequence and biophysical properties (such as structural, functional, and spatial information, amino acid conservation, physicochemical variation, residue mobility, and thermodynamic stability) performed at Invitae indicates that this missense variant is not expected to disrupt NSD1 protein function with a negative predictive value of 80%. In summary, the available evidence is currently insufficient to determine the role of this variant in disease. Therefore, it has been classified as a Variant of Uncertain Significance.